The following is an entry in ClinVar:

ClinVar aggregate classification (germline): Pathogenic (1 of 4 stars; one submission).

Conditions:
Autosomal recessive nonsyndromic hearing loss 77. Identifiers: Orphanet 90636, MedGen C2746083, MONDO:0013119, OMIM 613079.

Submission:

Myriad Genetics, Inc.
Classification: Pathogenic for Autosomal recessive nonsyndromic hearing loss 77. Last evaluated: 2025-04-24. Review status: criteria provided, single submitter. Criteria: Myriad Autosomal Dominant, Autosomal Recessive and X-Linked Classification Criteria (2023). Collection method: clinical testing. Allele origin: unknown.
Comment: NM_144612.6(LOXHD1):c.3039_3042delAGCT(G1015Sfs*29) is a frameshift variant classified as pathogenic in the context of nonsyndromic hearing loss, LOXHD1-related. G1015Sfs*29 has not been observed in cases with relevant disease. Relevant functional assessments of this variant are not available in the literature. G1015Sfs*29 has not been observed in referenced population frequency databases. In summary, NM_144612.6(LOXHD1):c.3039_3042delAGCT(G1015Sfs*29) is a frameshift variant in a gene where loss of function is a known mechanism of disease and is predicted to disrupt protein function. Please note: this variant was assessed in the context of healthy population screening.

NM_001384474.1(LOXHD1):c.3039_3042del (p.Gly1015fs)

Gene: LOXHD1 (lipoxygenase homology PLAT domains 1; minus strand). Cytogenetic location: 18q21.1.
Variant type: Deletion.
Coding change: c.3039_3042del on transcript NM_001384474.1 (MANE Select); coding-DNA positions 3039 to 3042, 4 bases deleted (AGCT; older notation c.3039_3042delAGCT).
Protein change: p.Gly1015fs; shifts the reading frame from glycine 1015.
Molecular consequence: frameshift variant.
Genome position (GRCh38, 1-based): chr18:46,560,102-46,560,105, AGCT deleted on the plus strand (AGCT on the coding strand, the reverse complement: LOXHD1 is on the minus strand). VCF-style (leftmost placement, unchanged base first): chr18-46560101-CAGCT-C. GRCh37 (hg19) VCF-style: chr18-44140064-CAGCT-C.
Other names: c.3039_3042del, p.Gly1015fs (NM_144612.7); short protein forms G1015fs.
Identifiers: ClinVar variation 4081724 (VCV004081724.1).